The following is an entry in ClinVar:

NM_000059.4(BRCA2):c.3812C>G (p.Ser1271Ter)

Gene: BRCA2 (BRCA2 DNA repair associated; plus strand). Cytogenetic location: 13q13.1.
Variant type: single nucleotide variant.
Coding change: c.3812C>G on transcript NM_000059.4 (MANE Select); coding-DNA position 3812, C replaced by G.
Protein change: p.Ser1271Ter; replaces serine 1271 with a stop codon.
Molecular consequence: nonsense.
Genome position (GRCh38, 1-based): chr13:32,338,167, C>G. VCF-style: chr13-32338167-C-G. GRCh37 (hg19) VCF-style: chr13-32912304-C-G.
Other names: 4040C>G; short protein forms S1271*.
Identifiers: ClinVar variation 266773 (VCV000266773.18), dbSNP rs80358623, ClinGen allele CA10589223.

ClinVar aggregate classification (germline): Pathogenic. Review status: reviewed by expert panel (3 of 4 stars). 5 submissions from 5 submitters: Pathogenic (1). 4 of the submissions do not count toward it. Last evaluated 2016-10-18.

Conditions:
Hereditary breast ovarian cancer syndrome. Also called: Hereditary breast and ovarian cancer; Hereditary breast and ovarian cancer syndrome (HBOC); Hereditary breast and/or ovarian cancer syndrome; Breast and ovarian cancer; Hereditary breast and ovarian cancer syndrome; BRCA1- and BRCA2-Associated Hereditary Breast and Ovarian Cancer. Identifiers: Orphanet 145, MedGen C0677776, MeSH D061325, MONDO:0003582. Disease mechanism: loss of function.
Familial cancer of breast. Also called: Hereditary breast cancer; BREAST CANCER, FAMILIAL; hereditary breast carcinoma. Identifiers: Orphanet 227535, MedGen C0346153, MONDO:0016419, OMIM 114480. Disease mechanism: loss of function.
Hereditary cancer-predisposing syndrome. Also called: Tumor predisposition; Neoplastic Syndromes, Hereditary; Hereditary neoplastic syndrome; Hereditary Cancer Syndrome. Identifiers: Orphanet 140162, MedGen C0027672, MeSH D009386, MONDO:0015356.
Breast-ovarian cancer, familial, susceptibility to, 2 (BROVCA2). Also called: BRCA2 Hereditary Breast and Ovarian Cancer. Identifiers: Orphanet 145, MedGen C2675520, MONDO:0012933, OMIM 612555. Disease mechanism: loss of function.

Submissions (5):

Evidence-based Network for the Interpretation of Germline Mutant Alleles (ENIGMA)
Classification: Pathogenic for Breast-ovarian cancer, familial, susceptibility to, 2. Last evaluated: 2016-10-18. Review status: reviewed by expert panel. Criteria: ENIGMA BRCA1/2 Classification Criteria (2015). Collection method: curation. Allele origin: germline.
Comment: Variant allele predicted to encode a truncated non-functional protein.

Labcorp Genetics (formerly Invitae), Labcorp
Classification: Pathogenic for Hereditary breast ovarian cancer syndrome. Last evaluated: 2023-12-24. Review status: criteria provided, single submitter. Criteria: Invitae Variant Classification Sherloc (09022015). Collection method: clinical testing. Allele origin: germline. Not counted in ClinVar's aggregate classification.
Comment: This sequence change creates a premature translational stop signal (p.Ser1271*) in the BRCA2 gene. It is expected to result in an absent or disrupted protein product. Loss-of-function variants in BRCA2 are known to be pathogenic (PMID: 20104584). This variant is not present in population databases (gnomAD no frequency). This premature translational stop signal has been observed in individual(s) with clinical features of hereditary breast and/or ovarian cancer (PMID: 24156927). ClinVar contains an entry for this variant (Variation ID: 266773). For these reasons, this variant has been classified as Pathogenic.

Baylor Genetics
Classification: Pathogenic for Familial cancer of breast. Last evaluated: 2023-11-30. Review status: criteria provided, single submitter. Criteria: ACMG Guidelines, 2015. Collection method: clinical testing. Allele origin: unknown. Not counted in ClinVar's aggregate classification.

Color Diagnostics, LLC DBA Color Health
Classification: Pathogenic for Hereditary cancer-predisposing syndrome. Last evaluated: 2020-10-06. Review status: criteria provided, single submitter. Criteria: ACMG Guidelines, 2015. Collection method: clinical testing. Allele origin: germline. Not counted in ClinVar's aggregate classification.
Comment: This variant changes 1 nucleotide in exon 11 of the BRCA2 gene, creating a premature translation stop signal. This variant is expected to result in an absent or non-functional protein product. To our knowledge, functional studies have not been reported for this variant. This variant has been reported in individuals affected with breast cancer (PMID: 24156927). This variant has not been identified in the general population by the Genome Aggregation Database (gnomAD). Loss of BRCA2 function is a known mechanism of disease. Based on the available evidence, this variant is classified as Pathogenic.

Consortium of Investigators of Modifiers of BRCA1/2 (CIMBA), c/o University of Cambridge
Classification: Pathogenic for Breast-ovarian cancer, familial, susceptibility to, 2. Last evaluated: 2015-10-02. Review status: criteria provided, single submitter. Criteria: CIMBA Mutation Classification guidelines May 2016. Collection method: clinical testing. Allele origin: germline. Not counted in ClinVar's aggregate classification.

Literature cited by the submitters: PubMed 20104584 (cited by Labcorp Genetics (formerly Invitae), Labcorp); PubMed 24156927 (cited by Labcorp Genetics (formerly Invitae), Labcorp).